The following is an entry in ClinVar:

NM_000080.4(CHRNE):c.1155A>G (p.Ile385Met)

Genes: CHRNE (cholinergic receptor nicotinic epsilon subunit; minus strand), LOC130060040 (ATAC-STARR-seq lymphoblastoid silent region 8049; plus strand). Cytogenetic location: 17p13.2.
Variant type: single nucleotide variant.
Coding change: c.1155A>G on transcript NM_000080.4 (MANE Select); coding-DNA position 1155, A replaced by G.
Protein change: p.Ile385Met; replaces isoleucine 385 with methionine.
Molecular consequence: missense variant.
Genome position (GRCh38, 1-based): chr17:4,899,262, T>C on the plus strand (A>G on the coding strand, the complement: CHRNE is on the minus strand). VCF-style: chr17-4899262-T-C. GRCh37 (hg19) VCF-style: chr17-4802557-T-C.
Other names: c.1155A>G (NM_000080.3); short protein forms I385M.
Identifiers: ClinVar variation 1992055 (VCV001992055.3), dbSNP rs755854654, ClinGen allele CA8314000.
Genomic context (GRCh38, chr17:4,899,262, plus strand): 5'-CCAGGTCCCCTGCCGGTGCCTCTGCCCCTCAAACACGAGCTCGCTCCGTGGCTTTTTCAG[T>C]ATCAGCTCCTCCGCGCGGAGCAATAAGCCCACCGACGACGCCCGCCTTGGGGGCGAGGCG-3'
Protein context (NP_000071.1, residues 375-395): VGLLLRAEEL[Ile385Met]LKKPRSELVF

ClinVar aggregate classification (germline): Uncertain significance. Review status: criteria provided, multiple submitters, no conflicts (2 of 4 stars). 2 submissions from 2 submitters: Uncertain significance (2). Last evaluated 2025-07-21.

Conditions:
Inborn genetic diseases. Identifiers: MedGen C0950123, MeSH D030342.
Congenital myasthenic syndrome 4A. Also called: Myasthenic syndrome, congenital, 4a, slow-channel; MYASTHENIC SYNDROME, CONGENITAL, 4A, SLOW-CHANNEL, AUTOSOMAL RECESSIVE; CONGENITAL MYASTHENIC SYNDROME TYPE Ia1. Identifiers: Orphanet 590, MedGen C4225413, MONDO:0011600, OMIM 605809.

Allele frequency attached by ClinVar (database versions not stated): TOPMed 0.00001; ExAC 0.00005.
gnomAD v4.1: 8 of 1,603,894 alleles (0.0005%); highest among the groups gnomAD compares: Admixed American, 0.013%; no homozygotes.

Submissions (2):

Labcorp Genetics (formerly Invitae), Labcorp
Classification: Uncertain significance for Congenital myasthenic syndrome 4A. Last evaluated: 2025-07-21. Review status: criteria provided, single submitter. Criteria: Invitae Variant Classification Sherloc (09022015). Collection method: clinical testing. Allele origin: germline.
Comment: This sequence change replaces isoleucine, which is neutral and non-polar, with methionine, which is neutral and non-polar, at codon 385 of the CHRNE protein (p.Ile385Met). This variant is present in population databases (rs755854654, gnomAD 0.02%). This variant has not been reported in the literature in individuals affected with CHRNE-related conditions. ClinVar contains an entry for this variant (Variation ID: 1992055). Invitae Evidence Modeling of protein sequence and biophysical properties (such as structural, functional, and spatial information, amino acid conservation, physicochemical variation, residue mobility, and thermodynamic stability) indicates that this missense variant is not expected to disrupt CHRNE protein function with a negative predictive value of 95%. In summary, the available evidence is currently insufficient to determine the role of this variant in disease. Therefore, it has been classified as a Variant of Uncertain Significance.

Ambry Genetics
Classification: Uncertain significance for Inborn genetic diseases. Last evaluated: 2025-04-08. Review status: criteria provided, single submitter. Criteria: Ambry Variant Classification Scheme 2023. Collection method: clinical testing. Allele origin: germline.